The following is an entry in ClinVar:

ClinVar aggregate classification (germline): Uncertain significance (1 of 4 stars; one submission).

Submission:

CeGaT Center for Human Genetics Tuebingen
Classification: Uncertain significance. Last evaluated: 2025-08-01. Review status: criteria provided, single submitter. Criteria: CeGaT Center For Human Genetics Tuebingen Variant Classification Criteria Version 2. Collection method: clinical testing. Allele origin: germline. Affected: yes. Observed: 1 variant allele.
Comment: RFX7: PM2

NM_022841.7(RFX7):c.1163G>A (p.Gly388Asp)

Gene: RFX7 (regulatory factor X7; minus strand). Cytogenetic location: 15q21.3.
Variant type: single nucleotide variant.
Coding change: c.1163G>A on transcript NM_022841.7 (MANE Select); coding-DNA position 1163, G replaced by A.
Protein change: p.Gly388Asp; replaces glycine 388 with aspartic acid.
Molecular consequence: missense variant.
Genome position (GRCh38, 1-based): chr15:56,096,565, C>T on the plus strand (G>A on the coding strand, the complement: RFX7 is on the minus strand). VCF-style: chr15-56096565-C-T. GRCh37 (hg19) VCF-style: chr15-56388763-C-T.
Other names: c.872G>A, p.Gly291Asp (NM_001368073.2, NM_001368074.1, NM_001370554.1); c.1163G>A, p.Gly388Asp (NM_001370561.1); short protein forms G291D, G388D.
Identifiers: ClinVar variation 4085930 (VCV004085930.8).